The following is an entry in ClinVar:

ClinVar aggregate classification (germline): Uncertain significance. Review status: criteria provided, multiple submitters, no conflicts (2 of 4 stars). 2 submissions from 2 submitters: Uncertain significance (2). Last evaluated 2025-02-01.

Conditions:
Epilepsy. Also called: Seizure disorder. Identifiers: MedGen C0014544, MeSH D004827, MONDO:0005027.

Allele frequency attached by ClinVar (database versions not stated): ExAC 0.00001; gnomAD 0.00001; gnomAD exomes 0.00001; TOPMed 0.00002.
gnomAD v4.1: 21 of 1,612,968 alleles (0.0013%); highest among the groups gnomAD compares: East Asian, 0.022%; no homozygotes.

Submissions (2):

CeGaT Center for Human Genetics Tuebingen
Classification: Uncertain significance. Last evaluated: 2025-02-01. Review status: criteria provided, single submitter. Criteria: CeGaT Center For Human Genetics Tuebingen Variant Classification Criteria Version 2. Collection method: clinical testing. Allele origin: germline. Affected: yes. Observed: 1 variant allele.
Comment: PIGQ: PM2, BP4

Labcorp Genetics (formerly Invitae), Labcorp
Classification: Uncertain significance for Epilepsy. Last evaluated: 2024-10-23. Review status: criteria provided, single submitter. Criteria: Invitae Variant Classification Sherloc (09022015). Collection method: clinical testing. Allele origin: germline.
Comment: This sequence change replaces arginine, which is basic and polar, with cysteine, which is neutral and slightly polar, at codon 562 of the PIGQ protein (p.Arg562Cys). This variant is present in population databases (rs759310444, gnomAD 0.01%). This variant has not been reported in the literature in individuals affected with PIGQ-related conditions. ClinVar contains an entry for this variant (Variation ID: 2156099). An algorithm developed to predict the effect of missense changes on protein structure and function (PolyPhen-2) suggests that this variant¬†is likely to be tolerated. In summary, the available evidence is currently insufficient to determine the role of this variant in disease. Therefore, it has been classified as a Variant of Uncertain Significance.

NM_004204.5(PIGQ):c.1684C>T (p.Arg562Cys)

Gene: PIGQ (phosphatidylinositol glycan anchor biosynthesis class Q; plus strand). Cytogenetic location: 16p13.3.
Variant type: single nucleotide variant.
Coding change: c.1684C>T on transcript NM_004204.5 (MANE Select); coding-DNA position 1684, C replaced by T.
Protein change: p.Arg562Cys; replaces arginine 562 with cysteine.
Molecular consequence: missense variant.
Genome position (GRCh38, 1-based): chr16:582,973, C>T. VCF-style: chr16-582973-C-T. GRCh37 (hg19) VCF-style: chr16-632973-C-T.
Other names: c.1622C>T, p.Pro541Leu (NM_148920.4); short protein forms P541L, R562C.
Identifiers: ClinVar variation 2156099 (VCV002156099.16), dbSNP rs759310444, ClinGen allele CA7780510.